The following is an entry in ClinVar:

ClinVar aggregate classification (germline): Uncertain significance (1 of 4 stars; one submission).

Submission:

Women's Health and Genetics/Laboratory Corporation of America, LabCorp
Classification: Uncertain significance. Last evaluated: 2025-07-09. Review status: criteria provided, single submitter. Criteria: LabCorp Variant Classification Summary - May 2015. Collection method: clinical testing. Allele origin: germline.
Comment: Variant summary: The variant involves the duplication of exons 1-12 in the GUSB gene. A presumed nomenclature of c.(?_-31)_(*214_?)dup has been designated for the purposes of this classification. This duplication includes the entire coding sequence of the gene. As exact breakpoints are unknown, it may extend beyond the annotated region of the gene, to include other flanking genes. The variant was absent in 21694 control chromosomes. The available data on variant occurrences in the general population are insufficient to allow any conclusion about variant significance. To our knowledge, no occurrence of c.(?_-31)_(*214_?)dup in individuals affected with Mucopolysaccharidosis Type VII (Sly Syndrome) and no experimental evidence demonstrating its impact on protein function have been reported. ClinVar contains an entry for this variant (Variation ID: 1063985). Based on the evidence outlined above, the variant was classified as uncertain significance.

NC_000007.13:g.(?_65425670)_(65447201_?)dup

Gene: GUSB (glucuronidase beta; minus strand). Cytogenetic location: 7q11.21.
Variant type: Duplication.
Identifiers: ClinVar variation 3385184 (VCV003385184.2).